The following is an entry in ClinVar:

ClinVar aggregate classification (germline): Benign (0 of 4 stars; one submission).

Conditions:
EVA1A-related disorder. Also called: EVA1A-related condition.

Allele frequency attached by ClinVar (database versions not stated): 1000 Genomes Project 0.04413; ExAC 0.04588; gnomAD exomes 0.04642; 1000 Genomes Project 30x 0.04653; gnomAD 0.05046; TOPMed 0.05391; ESP Exome Variant Server 0.05536.
gnomAD v4.1: 75,590 of 1,611,076 alleles (4.7%); highest among the groups gnomAD compares: Middle Eastern, 9.7%; 2,039 homozygotes.

Submission:

PreventionGenetics, part of Exact Sciences
Classification: Benign for EVA1A-related condition. Last evaluated: 2019-09-13. Review status: no assertion criteria provided. Collection method: clinical testing. Allele origin: germline.
Comment: This variant is classified as benign based on ACMG/AMP sequence variant interpretation guidelines (Richards et al. 2015 PMID: 25741868, with internal and published modifications).

NM_001135032.2(EVA1A):c.449G>A (p.Arg150His)

Gene: EVA1A (eva-1 homolog A, regulator of programmed cell death; minus strand). Cytogenetic location: 2p12.
Variant type: single nucleotide variant.
Coding change: c.449G>A on transcript NM_001135032.2 (MANE Select); coding-DNA position 449, G replaced by A.
Protein change: p.Arg150His; replaces arginine 150 with histidine.
Molecular consequence: missense variant.
Genome position (GRCh38, 1-based): chr2:75,493,246, C>T on the plus strand (G>A on the coding strand, the complement: EVA1A is on the minus strand). VCF-style: chr2-75493246-C-T. GRCh37 (hg19) VCF-style: chr2-75720372-C-T.
Other names: c.449G>A, p.Arg150His (NM_001369524.1, NM_001369525.1, NM_032181.3); short protein forms R150H.
Identifiers: ClinVar variation 3056113 (VCV003056113.2), dbSNP rs11126472, ClinGen allele CA1732319.